The following is an entry in ClinVar:

NM_001195263.2(PDZD7):c.1804G>C (p.Asp602His)

Gene: PDZD7 (PDZ domain containing 7; minus strand). Cytogenetic location: 10q24.31.
Variant type: single nucleotide variant.
Coding change: c.1804G>C on transcript NM_001195263.2 (MANE Select); coding-DNA position 1804, G replaced by C.
Protein change: p.Asp602His; replaces aspartic acid 602 with histidine.
Molecular consequence: missense variant.
Genome position (GRCh38, 1-based): chr10:101,012,204, C>G on the plus strand (G>C on the coding strand, the complement: PDZD7 is on the minus strand). VCF-style: chr10-101012204-C-G. GRCh37 (hg19) VCF-style: chr10-102771961-C-G.
Other names: c.1801G>C, p.Asp601His (NM_001437429.1); short protein forms D601H, D602H.
Identifiers: ClinVar variation 4704737 (VCV004704737.1).
Genomic context (GRCh38, chr10:101,012,204, plus strand): 5'-CCCTCTCTGCAACCTCCTCCCACCTGATGTCCTGCAGCAGTAGCAGCTTCTCCGGCCTGT[C>G]GAGGATGGCCAGCAGGGGCCTCACCAGGTCCTCTATGCCTCCCTCGTGCACATACTGCAG-3'
Protein context (NP_001182192.1, residues 592-612): DLVRPLLAIL[Asp602His]RPEKLLLLQD

ClinVar aggregate classification (germline): Uncertain significance (1 of 4 stars; one submission).

gnomAD v4.1: 3 of 1,550,324 alleles (0.00019%); highest among the groups gnomAD compares: Non-Finnish European, 0.00026%; no homozygotes.

Submission:

Labcorp Genetics (formerly Invitae), Labcorp
Classification: Uncertain significance. Last evaluated: 2025-06-29. Review status: criteria provided, single submitter. Criteria: Invitae Variant Classification Sherloc (09022015). Collection method: clinical testing. Allele origin: germline.
Comment: This sequence change replaces aspartic acid, which is acidic and polar, with histidine, which is basic and polar, at codon 602 of the PDZD7 protein (p.Asp602His). This variant is present in population databases (no rsID available, gnomAD 0.003%). This variant has not been reported in the literature in individuals affected with PDZD7-related conditions. Invitae Evidence Modeling of protein sequence and biophysical properties (such as structural, functional, and spatial information, amino acid conservation, physicochemical variation, residue mobility, and thermodynamic stability) indicates that this missense variant is not expected to disrupt PDZD7 protein function with a negative predictive value of 80%. In summary, the available evidence is currently insufficient to determine the role of this variant in disease. Therefore, it has been classified as a Variant of Uncertain Significance.